The following is an entry in ClinVar:

NM_001478.5(B4GALNT1):c.447A>T (p.Leu149=)

Gene: B4GALNT1 (beta-1,4-N-acetyl-galactosaminyltransferase 1; minus strand). Cytogenetic location: 12q13.3.
Variant type: single nucleotide variant.
Coding change: c.447A>T on transcript NM_001478.5 (MANE Select); coding-DNA position 447, A replaced by T.
Protein change: p.Leu149=; no amino-acid change (leucine 149 retained).
Molecular consequence: synonymous variant. On other transcripts: 5 prime UTR variant (4).
Genome position (GRCh38, 1-based): chr12:57,631,023, T>A on the plus strand (A>T on the coding strand, the complement: B4GALNT1 is on the minus strand). VCF-style: chr12-57631023-T-A. GRCh37 (hg19) VCF-style: chr12-58024806-T-A.
Other names: c.282A>T, p.Leu94= (NM_001276468.2, NM_001413978.1); c.447A>T, p.Leu149= (NM_001276469.2, NM_001413967.1, NM_001413968.1 and 9 more transcripts); c.-541A>T (NM_001413981.1, NM_001413982.1, NM_001413983.1 and 1 more transcripts).
Identifiers: ClinVar variation 2041561 (VCV002041561.6), dbSNP rs758687894, ClinGen allele CA6655770.

ClinVar aggregate classification (germline): Likely benign. Review status: criteria provided, multiple submitters, no conflicts (2 of 4 stars). 2 submissions from 2 submitters: Likely benign (2). Last evaluated 2026-06-01.

Conditions:
Spastic paraplegia. Identifiers: MedGen C0037772, HP:0001258.

Allele frequency attached by ClinVar (database versions not stated): gnomAD 0.00001; gnomAD exomes 0.00001; ExAC 0.00002; TOPMed 0.00002.

Submissions (2):

CeGaT Center for Human Genetics Tuebingen
Classification: Likely benign. Last evaluated: 2026-06-01. Review status: criteria provided, single submitter. Criteria: CeGaT Center For Human Genetics Tuebingen Variant Classification Criteria Version 2. Collection method: clinical testing. Allele origin: germline. Affected: yes. Observed: 1 variant allele.
Comment: B4GALNT1: BP4, BP7

Labcorp Genetics (formerly Invitae), Labcorp
Classification: Likely benign for Spastic paraplegia. Last evaluated: 2024-07-23. Review status: criteria provided, single submitter. Criteria: Invitae Variant Classification Sherloc (09022015). Collection method: clinical testing. Allele origin: germline.